The following is an entry in ClinVar:

NM_020821.3(VPS13C):c.11176A>G (p.Ile3726Val)

Gene: VPS13C (vacuolar protein sorting 13 homolog C; minus strand). Cytogenetic location: 15q22.2.
Variant type: single nucleotide variant.
Coding change: c.11176A>G on transcript NM_020821.3 (MANE Select); coding-DNA position 11176, A replaced by G.
Protein change: p.Ile3726Val; replaces isoleucine 3726 with valine.
Molecular consequence: missense variant.
Genome position (GRCh38, 1-based): chr15:61,854,543, T>C on the plus strand (A>G on the coding strand, the complement: VPS13C is on the minus strand). VCF-style: chr15-61854543-T-C. GRCh37 (hg19) VCF-style: chr15-62146742-T-C.
Other names: p.Ile3726Val; c.11047A>G, p.Ile3683Val (NM_017684.5); short protein forms I3726V, I3683V.
Identifiers: ClinVar variation 791595 (VCV000791595.35), dbSNP rs115819951, ClinGen allele CA7594061.
Genomic context (GRCh38, chr15:61,854,543, plus strand): 5'-GTCTCACTGATGACTGCTTCATCAATTTTTGCTGCTGTCTCGTTGACTGTGCATCCTCAA[T>C]GGCATTACATGCTCTCTGTAAAGTAAAATACTTATTATGAATTTTAAAGACAAGTATAGG-3'
Protein context (NP_065872.1, residues 3716-3736): TATAERACNA[Ile3726Val]EDAQSTRQQQ

ClinVar aggregate classification (germline): Benign/Likely benign. Review status: criteria provided, multiple submitters, no conflicts (2 of 4 stars). 5 submissions from 5 submitters: Benign (3); Likely benign (2). Last evaluated 2026-08-01.

Allele frequency attached by ClinVar (database versions not stated): 1000 Genomes Project 30x 0.00094; 1000 Genomes Project 0.00120; gnomAD 0.00338 and 0.00355; TOPMed 0.00339; ESP Exome Variant Server 0.00384; gnomAD exomes 0.00397 and 0.00486; ExAC 0.00403.
gnomAD v4.1: 7,630 of 1,614,094 alleles (0.47%); highest among the groups gnomAD compares: Middle Eastern, 0.79%; 35 homozygotes.

Submissions (5):

CeGaT Center for Human Genetics Tuebingen
Classification: Likely benign. Last evaluated: 2026-08-01. Review status: criteria provided, single submitter. Criteria: CeGaT Center For Human Genetics Tuebingen Variant Classification Criteria Version 2. Collection method: clinical testing. Allele origin: germline. Affected: yes. Observed: 20 variant alleles.
Comment: VPS13C: BP4, BS2

Labcorp Genetics (formerly Invitae), Labcorp
Classification: Benign. Last evaluated: 2026-01-28. Review status: criteria provided, single submitter. Criteria: Invitae Variant Classification Sherloc (09022015). Collection method: clinical testing. Allele origin: germline.

Genomic Medicine Center of Excellence, King Faisal Specialist Hospital and Research Centre
Classification: Likely benign. Last evaluated: 2025-08-18. Review status: criteria provided, single submitter. Criteria: ACMG Guidelines, 2015. Collection method: clinical testing. Allele origin: germline.

Mayo Clinic Laboratories, Mayo Clinic
Classification: Benign. Last evaluated: 2023-06-02. Review status: criteria provided, single submitter. Criteria: ACMG Guidelines, 2015. Collection method: clinical testing. Allele origin: germline. Observed: 5 variant alleles.
Comment: BS1, BS2, BP4

Breakthrough Genomics
Classification: Benign. Review status: criteria provided, single submitter. Criteria: ACMG Guidelines, 2015. Collection method: not provided. Allele origin: germline. Inheritance: Autosomal recessive inheritance. Affected: yes.